The following is an entry in ClinVar:

ClinVar aggregate classification (germline): Uncertain significance (1 of 4 stars; one submission).

Allele frequency attached by ClinVar (database versions not stated): gnomAD exomes below 0.00001.
gnomAD v4.1: 2 of 1,613,560 alleles (0.00012%); highest among the groups gnomAD compares: East Asian, 0.0022%; no homozygotes.

Submission:

Labcorp Genetics (formerly Invitae), Labcorp
Classification: Uncertain significance. Last evaluated: 2019-04-11. Review status: criteria provided, single submitter. Criteria: Invitae Variant Classification Sherloc (09022015). Collection method: clinical testing. Allele origin: germline.
Comment: In summary, the available evidence is currently insufficient to determine the role of this variant in disease. Therefore, it has been classified as a Variant of Uncertain Significance. Algorithms developed to predict the effect of sequence changes on RNA splicing suggest that this variant may create or strengthen a splice site, but this prediction has not been confirmed by published transcriptional studies. Algorithms developed to predict the effect of missense changes on protein structure and function output the following: SIFT: "Tolerated"; PolyPhen-2: "Benign"; Align-GVGD: "Class C0". The glycine amino acid residue is found in multiple mammalian species, suggesting that this missense change does not adversely affect protein function. These predictions have not been confirmed by published functional studies and their clinical significance is uncertain. This variant has not been reported in the literature in individuals with VPS13D-related conditions. This variant is not present in population databases (ExAC no frequency). This sequence change replaces aspartic acid with glycine at codon 3822 of the VPS13D protein (p.Asp3822Gly). The aspartic acid residue is moderately conserved and there is a moderate physicochemical difference between aspartic acid and glycine.

NM_015378.4(VPS13D):c.11465A>G (p.Asp3822Gly)

Gene: VPS13D (vacuolar protein sorting 13 homolog D; plus strand). Cytogenetic location: 1p36.22.
Variant type: single nucleotide variant.
Coding change: c.11465A>G on transcript NM_015378.4 (MANE Select); coding-DNA position 11465, A replaced by G.
Protein change: p.Asp3822Gly; replaces aspartic acid 3822 with glycine.
Molecular consequence: missense variant.
Genome position (GRCh38, 1-based): chr1:12,385,354, A>G. VCF-style: chr1-12385354-A-G. GRCh37 (hg19) VCF-style: chr1-12445413-A-G.
Other names: c.11390A>G, p.Asp3797Gly (NM_018156.4); short protein forms D3797G, D3822G.
Identifiers: ClinVar variation 951171 (VCV000951171.9), dbSNP rs1275212646, ClinGen allele CA338501743.